The following is an entry in ClinVar:

ClinVar aggregate classification (germline): Uncertain significance (1 of 4 stars; one submission).

Submission:

GeneDx
Classification: Uncertain significance. Last evaluated: 2023-09-15. Review status: criteria provided, single submitter. Criteria: GeneDx Variant Classification Process June 2021. Collection method: clinical testing. Allele origin: germline. Affected: yes.
Comment: Frameshift variant predicted to result in protein truncation as the last 17 amino acids are replaced with 27 different amino acids, although loss-of-function variants have not been reported downstream of this position in the protein; Not observed at significant frequency in large population cohorts (gnomAD); Has not been previously published as pathogenic or benign to our knowledge

NM_001330260.2(SCN8A):c.5891_5894del (p.Gly1964fs)

Gene: SCN8A (sodium voltage-gated channel alpha subunit 8; plus strand). Cytogenetic location: 12q13.13.
Variant type: Microsatellite.
Coding change: c.5891_5894del on transcript NM_001330260.2 (MANE Select); coding-DNA positions 5891 to 5894, 4 bases deleted (GAAG; older notation c.5891_5894delGAAG).
Protein change: p.Gly1964fs; shifts the reading frame from glycine 1964.
Molecular consequence: frameshift variant.
Genome position (GRCh38, 1-based): chr12:51,807,377-51,807,380, GAAG deleted; deleting any 4 consecutive bases within chr12:51,807,371-51,807,380 gives the same sequence; the c. name uses the placement nearest the transcript's 3' end. VCF-style (leftmost placement, unchanged base first): chr12-51807370-GAGGA-G. GRCh37 (hg19) VCF-style: chr12-52201154-GAGGA-G.
Other names: c.5768_5771del, p.Gly1923fs (NM_001177984.3, NM_001369788.1); c.5891_5894del, p.Gly1964fs (NM_014191.4); c.5891_5894delGAAG (NM_014191.3); c.5891_5894del (NM_014191.3); short protein forms G1923fs, G1964fs.
Identifiers: ClinVar variation 524126 (VCV000524126.4), dbSNP rs1555231202, ClinGen allele CA658797918.